The following is an entry in ClinVar:

ClinVar aggregate classification (germline): Pathogenic/Likely pathogenic. Review status: criteria provided, multiple submitters, no conflicts (2 of 4 stars). 2 submissions from 2 submitters: Pathogenic (1); Likely pathogenic (1). Last evaluated 2020-03-24.

Conditions:
Joubert syndrome 21 (JBTS21). Identifiers: MedGen C3810212, MONDO:0014288, OMIM 615636.
CSPP1-related disorder. Also called: CSPP1-related condition.

Submissions (2):

Labcorp Genetics (formerly Invitae), Labcorp
Classification: Pathogenic for Joubert syndrome 21. Last evaluated: 2020-03-24. Review status: criteria provided, single submitter. Criteria: Invitae Variant Classification Sherloc (09022015). Collection method: clinical testing. Allele origin: germline.
Comment: This sequence change creates a premature translational stop signal (p.Arg1131Ilefs*2) in the CSPP1 gene. It is expected to result in an absent or disrupted protein product. For these reasons, this variant has been classified as Pathogenic. Loss-of-function variants in CSPP1 are known to be pathogenic (PMID: 24360807, 24360808). This variant has not been reported in the literature in individuals with CSPP1-related conditions. This variant is not present in population databases (ExAC no frequency).

Blueprint Genetics
Classification: Likely pathogenic for CSPP1-related disorders. Last evaluated: 2019-11-13. Review status: criteria provided, single submitter. Criteria: ACMG Guidelines, 2015. Collection method: clinical testing. Allele origin: germline. Affected: yes. Observed: 1 variant allele.

Literature cited by the submitters: PubMed 24360807 (cited by Labcorp Genetics (formerly Invitae), Labcorp); PubMed 24360808 (cited by Labcorp Genetics (formerly Invitae), Labcorp).

NM_001382391.1(CSPP1):c.3406_3407insTATA (p.Arg1136delinsIleTer)

Genes: ARFGEF1 (ARF guanine nucleotide exchange factor 1; minus strand), CSPP1 (centrosome and spindle pole associated protein 1; plus strand). Cytogenetic location: 8q13.2.
Variant type: Microsatellite.
Coding change: c.3406_3407insTATA on transcript NM_001382391.1 (MANE Select); coding-DNA positions 3406 to 3407, TATA inserted.
Protein change: p.Arg1136delinsIleTer.
Molecular consequence: nonsense. On other transcripts: intron variant (3).
Genome position: GRCh38 VCF-style: chr8-67193537-T-TTATA. GRCh37 (hg19) VCF-style: chr8-68105772-T-TTATA.
Other names: c.2356_2357insTATA, p.Arg786delinsIleTer (NM_001291339.2); c.3325_3326insTATA, p.Arg1109delinsIleTer (NM_001363131.2); c.3211_3212insTATA, p.Arg1071delinsIleTer (NM_001363132.2); c.3130_3131insTATA, p.Arg1044delinsIleTer (NM_001363133.2); c.3472_3473insTATA, p.Arg1158delinsIleTer (NM_001364869.1); c.3292_3293insTATA, p.Arg1098delinsIleTer (NM_001364870.1); c.3238_3239insTATA, p.Arg1080delinsIleTer (NM_001438330.1); c.2707_2708insTATA, p.Arg903delinsIleTer (NM_001438332.1); and 4 more.
Identifiers: ClinVar variation 1072911 (VCV001072911.7), dbSNP rs1175214174, ClinGen allele CA582507342.